The following is an entry in ClinVar:

NM_000159.4(GCDH):c.938G>A (p.Arg313Gln)

Gene: GCDH (glutaryl-CoA dehydrogenase; plus strand). Cytogenetic location: 19p13.13.
Variant type: single nucleotide variant.
Coding change: c.938G>A on transcript NM_000159.4 (MANE Select); coding-DNA position 938, G replaced by A.
Protein change: p.Arg313Gln; replaces arginine 313 with glutamine.
Molecular consequence: missense variant. On other transcripts: non-coding transcript variant (2).
Genome position (GRCh38, 1-based): chr19:12,896,995, G>A. VCF-style: chr19-12896995-G-A. GRCh37 (hg19) VCF-style: chr19-13007809-G-A.
Other names: c.938G>A (NM_000159.3); c.938G>A, p.Arg313Gln (NM_013976.5); short protein forms R313Q.
Identifiers: ClinVar variation 1457534 (VCV001457534.17), dbSNP rs746220312, ClinGen allele CA9234550.

ClinVar aggregate classification (germline): Pathogenic/Likely pathogenic. Review status: criteria provided, multiple submitters, no conflicts (2 of 4 stars). 9 submissions from 9 submitters: Pathogenic (4); Likely pathogenic (4). 1 of the submissions does not count toward it. Last evaluated 2025-09-29.

Conditions:
Glutaric aciduria, type 1. Also called: GA I; Glutaryl-CoA dehydrogenase deficiency; Glutaric acidemia type I; Glutaricacidemia Type 1; Glutaricaciduria, type I; Glutaric Acidemia Type 1. Identifiers: Orphanet 25, MedGen C0268595, MONDO:0009281, OMIM 231670.

Allele frequency attached by ClinVar (database versions not stated): gnomAD 0.00002; TOPMed 0.00002; ExAC 0.00004; gnomAD exomes 0.00001 and 0.00003.
gnomAD v4.1: 22 of 1,612,224 alleles (0.0014%); highest among the groups gnomAD compares: East Asian, 0.0067%; no homozygotes.

Submissions (9):

Natera, Inc.
Classification: Pathogenic for Glutaric acidemia type 1. Last evaluated: 2025-09-29. Review status: criteria provided, single submitter. Criteria: Natera Variant Classification Schema (03/2026). Collection method: clinical testing. Allele origin: germline.
Comment: The c.938G>A variant in GCDH is a missense variant predicted to cause substitution of arginine to glutamine at amino acid 313. This variant is rare in the general population with a frequency below the threshold expected for the associated phenotype(s). This variant has been observed in one or more individuals affected with the associated recessive disease, as either homozygous or compound heterozygous with a second variant (PMID: 15505393). A different variant at the same position has been determined to be Pathogenic or Likely Pathogenic. Computational prediction algorithms indicate this variant is likely to affect gene or protein function. Given the available evidence, this variant is classified as Pathogenic.

Labcorp Genetics (formerly Invitae), Labcorp
Classification: Pathogenic for Glutaric aciduria, type 1. Last evaluated: 2024-06-24. Review status: criteria provided, single submitter. Criteria: Invitae Variant Classification Sherloc (09022015). Collection method: clinical testing. Allele origin: germline.
Comment: This sequence change replaces arginine, which is basic and polar, with glutamine, which is neutral and polar, at codon 313 of the GCDH protein (p.Arg313Gln). This variant is present in population databases (rs746220312, gnomAD 0.01%). This missense change has been observed in individual(s) with glutaric aciduria type 1 (PMID: 15505393, 24332224). ClinVar contains an entry for this variant (Variation ID: 1457534). Advanced modeling of protein sequence and biophysical properties (such as structural, functional, and spatial information, amino acid conservation, physicochemical variation, residue mobility, and thermodynamic stability) performed at Invitae indicates that this missense variant is expected to disrupt GCDH protein function with a positive predictive value of 80%. This variant disrupts the p.Arg313 amino acid residue in GCDH. Other variant(s) that disrupt this residue have been determined to be pathogenic (PMID: 9711871, 15505393, 25762492, 26071121). This suggests that this residue is clinically significant, and that variants that disrupt this residue are likely to be disease-causing. For these reasons, this variant has been classified as Pathogenic.

Baylor Genetics
Classification: Pathogenic for Glutaric aciduria, type 1. Last evaluated: 2024-03-23. Review status: criteria provided, single submitter. Criteria: ACMG Guidelines, 2015. Collection method: clinical testing. Allele origin: unknown.

Fulgent Genetics
Classification: Likely pathogenic for Glutaric aciduria, type 1. Last evaluated: 2023-12-29. Review status: criteria provided, single submitter. Criteria: ACMG Guidelines, 2015. Collection method: clinical testing. Allele origin: germline.

Laboratory for Molecular Medicine, Mass General Brigham Personalized Medicine
Classification: Likely pathogenic for Glutaric aciduria, type 1. Last evaluated: 2022-11-03. Review status: criteria provided, single submitter. Criteria: ACMG Guidelines, 2015. Collection method: clinical testing. Allele origin: germline.
Comment: The p.Arg313Gln variant in GCDH has been reported in the compound heterozygote state in at least 2 individuals with Glutaric acidemia type 1 as well as in 2 individuals for which zygosity was not specified (DOI 10.21203/rs.3.rs-1274419/v1; Zschocke 2000 PMID: 10699052, Adhikari 2020 PMID: 32778825). This variant has also been reported in ClinVar (Variation ID 1457534). It has also been identified in 1/4838 South Asian, 1/5196 East Asian and 1/41442 African chromosomes by gnomAD. Computational prediction tools and conservation analyses suggest that this variant may impact the protein, though this information is not predictive enough to determine pathogenicity. Another variant involving this codon (p.Arg313Trp) has been identified in individuals with glutaric aciduria type I (ClinVar variation ID 379529). In summary,although additional studies are required to fully establish its clinical significance, this variant meets criteria to be classified as likely pathogenic for autosomal recessive glutaric aciduria type I. ACMG/AMP Criteria applied: PM2_Supporting, PP3, PM3_Strong.

3billion
Classification: Likely pathogenic for Glutaric aciduria, type 1. Last evaluated: 2022-05-22. Review status: criteria provided, single submitter. Criteria: ACMG Guidelines, 2015. Collection method: clinical testing. Allele origin: germline. Affected: yes. Observed: 1 homozygote.
Comment: The variant is observed at an extremely low frequency in the gnomAD v2.1.1 dataset (total allele frequency: 0.003%). Missense changes are a common disease-causing mechanism. In silico tool predictions suggest damaging effect of the variant on gene or gene product (REVEL: 0.94; 3Cnet: 0.98). Same nucleotide change resulting in same amino acid change has been previously reported to be associated with GCDH related disorder (PMID: 10699052). A different missense change at the same codon (p.Arg313Trp) has been reported as pathogenic/likely pathogenic with strong evidence (ClinVar ID: VCV000379529). Therefore, this variant is classified as likely pathogenic according to the recommendation of ACMG/AMP guideline.

Juno Genomics, Hangzhou Juno Genomics, Inc
Classification: Pathogenic for Glutaric aciduria, type 1. Review status: criteria provided, single submitter. Criteria: ACMG Guidelines, 2015. Collection method: clinical testing. Allele origin: germline. Affected: yes.
Comment: Absent from controls (or at extremely low frequency if recessive) in Genome Aggregation Database, Exome Sequencing Project, 1000 Genomes Project, or Exome Aggregation Consortium.;For recessive disorders, detected in trans with a pathogenic variant.;Patient's phenotype or family history is highly specific for a disease with a single genetic etiology.;Novel missense change at an amino acid residue where a different missense change determined to be pathogenic has been seen before.;Multiple lines of computational evidence support a deleterious effect on the gene or gene product (conservation, evolutionary, splicing impact, etc).

Suma Genomics
Classification: Likely pathogenic for Glutaric aciduria, type 1. Review status: criteria provided, single submitter. Criteria: ACMG Guidelines, 2015. Collection method: clinical testing. Allele origin: germline. Inheritance: Autosomal recessive inheritance. Affected: yes. Observed: 1 homozygote.

Hong-Tao Li Lab, Institute of Brain Science and Brain-inspired Research, Shandong First Medical University & Shandong Academy of Medical Sciences China
Classification: Pathogenic for Glutaric aciduria, type 1. Review status: no assertion criteria provided. Collection method: research. Allele origin: germline. Inheritance: Autosomal recessive inheritance. Affected: yes. Observed: 1 variant allele, 1 homozygote. Not counted in ClinVar's aggregate classification.
Comment: Observed in affected individuals from a Pakistani neurodevelopmental-disorder research cohort of 263 individuals. Classification assigned using the ACMG/AMP framework. Population-frequency evidence: gnomAD AF 2.843e-05.

Literature cited by the submitters: PubMed 15505393 (cited by Natera, Inc. and Labcorp Genetics (formerly Invitae), Labcorp); PubMed 24332224 (cited by Labcorp Genetics (formerly Invitae), Labcorp); PubMed 9711871 (cited by Labcorp Genetics (formerly Invitae), Labcorp); PubMed 25762492 (cited by Labcorp Genetics (formerly Invitae), Labcorp); PubMed 26071121 (cited by Labcorp Genetics (formerly Invitae), Labcorp); PubMed 10699052 (cited by 3billion); PubMed 29068549 (cited by Suma Genomics).